The following is an entry in ClinVar:

ClinVar aggregate classification (germline): Likely benign. Review status: criteria provided, multiple submitters, no conflicts (2 of 4 stars). 3 submissions from 3 submitters: Likely benign (3). Last evaluated 2025-11-06.

Allele frequency attached by ClinVar (database versions not stated): 1000 Genomes Project 30x 0.00016; 1000 Genomes Project 0.00020; ExAC 0.00046; ESP Exome Variant Server 0.00054; gnomAD exomes 0.00062 and 0.00109; TOPMed 0.00079; gnomAD 0.00090 and 0.00095.
gnomAD v4.1: 1,643 of 1,547,410 alleles (0.11%); highest among the groups gnomAD compares: Non-Finnish European, 0.13%; 1 homozygote.

Submissions (3):

Labcorp Genetics (formerly Invitae), Labcorp
Classification: Likely benign. Last evaluated: 2025-11-06. Review status: criteria provided, single submitter. Criteria: Invitae Variant Classification Sherloc (09022015). Collection method: clinical testing. Allele origin: germline.

CeGaT Center for Human Genetics Tuebingen
Classification: Likely benign. Last evaluated: 2025-08-01. Review status: criteria provided, single submitter. Criteria: CeGaT Center For Human Genetics Tuebingen Variant Classification Criteria Version 2. Collection method: clinical testing. Allele origin: germline. Affected: yes. Observed: 3 variant alleles.
Comment: VPS13C: BP4

Blueprint Genetics
Classification: Likely benign. Last evaluated: 2024-11-27. Review status: criteria provided, single submitter. Criteria: ACMG Guidelines, 2015. Collection method: clinical testing. Allele origin: germline.

NM_020821.3(VPS13C):c.10225-6T>C

Gene: VPS13C (vacuolar protein sorting 13 homolog C; minus strand). Cytogenetic location: 15q22.2.
Variant type: single nucleotide variant.
Coding change: c.10225-6T>C on transcript NM_020821.3 (MANE Select); 6 bases into the intron before coding-DNA position 10225, T replaced by C.
Molecular consequence: intron variant.
Genome position (GRCh38, 1-based): chr15:61,875,851, A>G on the plus strand (T>C on the coding strand, the complement: VPS13C is on the minus strand). VCF-style: chr15-61875851-A-G. GRCh37 (hg19) VCF-style: chr15-62168050-A-G.
Other names: c.10096-6T>C (NM_017684.5, NM_018080.4); c.10225-6T>C (NM_001018088.3).
Identifiers: ClinVar variation 724554 (VCV000724554.34), dbSNP rs191499916, ClinGen allele CA7594377.